The following is an entry in ClinVar:

ClinVar aggregate classification (germline): Benign (0 of 4 stars; one submission).

Conditions:
ADGRL2-related disorder. Also called: ADGRL2-related condition.

Allele frequency attached by ClinVar (database versions not stated): gnomAD exomes 0.00074; ExAC 0.00223; gnomAD 0.00652; TOPMed 0.00761; ESP Exome Variant Server 0.00807; 1000 Genomes Project 30x 0.00828; 1000 Genomes Project 0.00919.

Submission:

PreventionGenetics, part of Exact Sciences
Classification: Benign for ADGRL2-related condition. Last evaluated: 2019-06-19. Review status: no assertion criteria provided. Collection method: clinical testing. Allele origin: germline.
Comment: This variant is classified as benign based on ACMG/AMP sequence variant interpretation guidelines (Richards et al. 2015 PMID: 25741868, with internal and published modifications).

NM_001366006.2(ADGRL2):c.4082A>G (p.Tyr1361Cys)

Gene: ADGRL2 (adhesion G protein-coupled receptor L2; plus strand). Cytogenetic location: 1p31.1.
Variant type: single nucleotide variant.
Coding change: c.4082A>G on transcript NM_001366006.2 (MANE Select); coding-DNA position 4082, A replaced by G.
Protein change: p.Tyr1361Cys; replaces tyrosine 1361 with cysteine.
Molecular consequence: missense variant. On other transcripts: 3 prime UTR variant (8), non-coding transcript variant (1).
Genome position (GRCh38, 1-based): chr1:81,990,817, A>G. VCF-style: chr1-81990817-A-G. GRCh37 (hg19) VCF-style: chr1-82456501-A-G.
Other names: c.3884A>G, p.Tyr1295Cys (NM_001297704.3, NM_001366002.2, NM_001393351.1 and 2 more transcripts); c.*456A>G (NM_001297705.3); c.*415A>G (NM_001297706.3, NM_001366009.2, NM_001393353.1); c.3923A>G, p.Tyr1308Cys (NM_001330645.3, NM_001393350.1); c.4064A>G, p.Tyr1355Cys (NM_001350698.2, NM_001366003.2, NM_001366004.2 and 1 more transcripts); c.*474A>G (NM_001350699.2, NM_001393354.1); c.4082A>G, p.Tyr1361Cys (NM_001366005.2); c.*442A>G (NM_001366007.2, NM_001366008.2); short protein forms Y1295C, Y1308C, Y1355C, Y1361C.
Identifiers: ClinVar variation 3037885 (VCV003037885.2), dbSNP rs74098542, ClinGen allele CA923245.